The following is an entry in ClinVar:

ClinVar aggregate classification (germline): Uncertain significance (1 of 4 stars; one submission).

Submission:

Labcorp Genetics (formerly Invitae), Labcorp
Classification: Uncertain significance. Last evaluated: 2022-08-13. Review status: criteria provided, single submitter. Criteria: Invitae Variant Classification Sherloc (09022015). Collection method: clinical testing. Allele origin: germline.
Comment: This sequence change replaces methionine, which is neutral and non-polar, with isoleucine, which is neutral and non-polar, at codon 514 of the RIN2 protein (p.Met514Ile). This variant is not present in population databases (gnomAD no frequency). This variant has not been reported in the literature in individuals affected with RIN2-related conditions. Algorithms developed to predict the effect of missense changes on protein structure and function are either unavailable or do not agree on the potential impact of this missense change (SIFT: "Tolerated"; PolyPhen-2: "Not Available"; Align-GVGD: "Class C0"). In summary, the available evidence is currently insufficient to determine the role of this variant in disease. Therefore, it has been classified as a Variant of Uncertain Significance.

NM_018993.4(RIN2):c.1542G>A (p.Met514Ile)

Gene: RIN2 (Ras and Rab interactor 2; plus strand). Cytogenetic location: 20p11.23.
Variant type: single nucleotide variant.
Coding change: c.1542G>A on transcript NM_018993.4 (MANE Select); coding-DNA position 1542, G replaced by A.
Protein change: p.Met514Ile; replaces methionine 514 with isoleucine.
Molecular consequence: missense variant.
Genome position (GRCh38, 1-based): chr20:19,975,567, G>A. VCF-style: chr20-19975567-G-A. GRCh37 (hg19) VCF-style: chr20-19956211-G-A.
Other names: c.1689G>A, p.Met563Ile (NM_001242581.2); c.924G>A, p.Met308Ile (NM_001378238.1); short protein forms M563I, M308I, M514I.
Identifiers: ClinVar variation 1955418 (VCV001955418.5), dbSNP rs2515517533, ClinGen allele CA408362989.
Genomic context (GRCh38, chr20:19,975,567, plus strand): 5'-GTCCCAGCTGCAGAAGGTGAGCGGGGTGTTCAGCTCCTTCATGACCCCGGAGAAGCGGAT[G>A]GTCCGCAGGATCGCCGAGCTTTCCCGGGACAAATGCACCTACTTCGGGTGCTTAGTGCAG-3'
Protein context (NP_061866.1, residues 504-524): FSSFMTPEKR[Met514Ile]VRRIAELSRD